The following is an entry in ClinVar:

ClinVar aggregate classification (germline): Uncertain significance. Review status: criteria provided, multiple submitters, no conflicts (2 of 4 stars). 2 submissions from 2 submitters: Uncertain significance (2). Last evaluated 2023-02-16.

Conditions:
Inborn genetic diseases. Identifiers: MedGen C0950123, MeSH D030342.
Developmental and epileptic encephalopathy 94 (DEE94). Also called: Epileptic encephalopathy, childhood-onset; CHD2-Related Neurodevelopmental Disorders. Identifiers: Orphanet 1942, Orphanet 2382, MedGen C3809278, MONDO:0014150, OMIM 615369.

Allele frequency attached by ClinVar (database versions not stated): gnomAD exomes below 0.00001 and 0.00001; gnomAD 0.00001.
gnomAD v4.1: 18 of 1,614,128 alleles (0.0011%); highest among the groups gnomAD compares: African/African-American, 0.0013%; no homozygotes.

Submissions (2):

Labcorp Genetics (formerly Invitae), Labcorp
Classification: Uncertain significance for Developmental and epileptic encephalopathy 94. Last evaluated: 2023-02-16. Review status: criteria provided, single submitter. Criteria: Invitae Variant Classification Sherloc (09022015). Collection method: clinical testing. Allele origin: germline.
Comment: ClinVar contains an entry for this variant (Variation ID: 1402131). In summary, the available evidence is currently insufficient to determine the role of this variant in disease. Therefore, it has been classified as a Variant of Uncertain Significance. Advanced modeling of protein sequence and biophysical properties (such as structural, functional, and spatial information, amino acid conservation, physicochemical variation, residue mobility, and thermodynamic stability) performed at Invitae indicates that this missense variant is not expected to disrupt CHD2 protein function. This variant has not been reported in the literature in individuals affected with CHD2-related conditions. This variant is present in population databases (no rsID available, gnomAD 0.007%). This sequence change replaces histidine, which is basic and polar, with arginine, which is basic and polar, at codon 1805 of the CHD2 protein (p.His1805Arg).

Ambry Genetics
Classification: Uncertain significance for Inborn genetic diseases. Last evaluated: 2018-01-25. Review status: criteria provided, single submitter. Criteria: Ambry Variant Classification Scheme 2023. Collection method: clinical testing. Allele origin: germline.
Comment: The p.H1805R variant (also known as c.5414A>G), located in coding exon 38 of the CHD2 gene, results from an A to G substitution at nucleotide position 5414. The histidine at codon 1805 is replaced by arginine, an amino acid with highly similar properties. This amino acid position is highly conserved in available vertebrate species. In addition, the in silico prediction for this alteration is inconclusive. Since supporting evidence is limited at this time, the clinical significance of this alteration remains unclear.

NM_001271.4(CHD2):c.5414A>G (p.His1805Arg)

Gene: CHD2 (chromodomain helicase DNA binding protein 2; plus strand). Cytogenetic location: 15q26.1.
Variant type: single nucleotide variant.
Coding change: c.5414A>G on transcript NM_001271.4 (MANE Select); coding-DNA position 5414, A replaced by G.
Protein change: p.His1805Arg; replaces histidine 1805 with arginine.
Molecular consequence: missense variant.
Genome position (GRCh38, 1-based): chr15:93,024,632, A>G. VCF-style: chr15-93024632-A-G. GRCh37 (hg19) VCF-style: chr15-93567862-A-G.
Other names: short protein forms H1805R.
Identifiers: ClinVar variation 1402131 (VCV001402131.11), dbSNP rs1287619700, ClinGen allele CA393908730.